The following is an entry in ClinVar:

ClinVar aggregate classification (germline): Benign/Likely benign. Review status: criteria provided, multiple submitters, no conflicts (2 of 4 stars). 6 submissions from 6 submitters: Benign (3); Likely benign (3). Last evaluated 2026-01-25.

Allele frequency attached by ClinVar (database versions not stated): 1000 Genomes Project 0.00180; gnomAD 0.00217; TOPMed 0.00219; 1000 Genomes Project 30x 0.00234; ESP Exome Variant Server 0.00292.
gnomAD v4.1: 681 of 1,612,426 alleles (0.042%); highest among the groups gnomAD compares: African/African-American, 0.78%; 7 homozygotes.

Submissions (6):

Labcorp Genetics (formerly Invitae), Labcorp
Classification: Benign. Last evaluated: 2026-01-25. Review status: criteria provided, single submitter. Criteria: Invitae Variant Classification Sherloc (09022015). Collection method: clinical testing. Allele origin: germline.

ARUP Laboratories, Molecular Genetics and Genomics, ARUP Laboratories
Classification: Benign. Last evaluated: 2025-02-11. Review status: criteria provided, single submitter. Criteria: ARUP Molecular Germline Variant Investigation Process 2024. Collection method: clinical testing. Allele origin: germline.

Blueprint Genetics
Classification: Likely benign. Last evaluated: 2024-10-22. Review status: criteria provided, single submitter. Criteria: ACMG Guidelines, 2015. Collection method: clinical testing. Allele origin: germline.

CeGaT Center for Human Genetics Tuebingen
Classification: Likely benign. Last evaluated: 2024-08-01. Review status: criteria provided, single submitter. Criteria: CeGaT Center For Human Genetics Tuebingen Variant Classification Criteria Version 2. Collection method: clinical testing. Allele origin: germline. Affected: yes. Observed: 2 variant alleles.
Comment: FLNB: BP4, BP7

GeneDx
Classification: Likely benign. Last evaluated: 2021-10-11. Review status: criteria provided, single submitter. Criteria: GeneDx Variant Classification Process June 2021. Collection method: clinical testing. Allele origin: germline. Affected: yes.

PreventionGenetics, part of Exact Sciences
Classification: Benign. Review status: criteria provided, single submitter. Criteria: ACMG Guidelines, 2015. Collection method: clinical testing. Allele origin: germline.

NM_001457.4(FLNB):c.4362G>A (p.Pro1454=)

Gene: FLNB (filamin B; plus strand). Cytogenetic location: 3p14.3.
Variant type: single nucleotide variant.
Coding change: c.4362G>A on transcript NM_001457.4 (MANE Select); coding-DNA position 4362, G replaced by A.
Protein change: p.Pro1454=; no amino-acid change (proline 1454 retained).
Molecular consequence: synonymous variant.
Genome position (GRCh38, 1-based): chr3:58,130,880, G>A. VCF-style: chr3-58130880-G-A. GRCh37 (hg19) VCF-style: chr3-58116607-G-A.
Other names: c.4362G>A, p.Pro1454= (NM_001164317.2, NM_001164318.2, NM_001164319.2).
Identifiers: ClinVar variation 258112 (VCV000258112.47), dbSNP rs150844992, ClinGen allele CA2468732.
Genomic context (GRCh38, chr3:58,130,880, plus strand): 5'-CGTCCGAGCCCGTGTCCTGCAGTCCTTCACGGTGGACAGCAGCAAGGCTGGCCTGGCTCC[G>A]CTGGAAGTGAGGGTTCTGGGCCCACGAGGTAAGTGTGCACCCTGCCTTCCTGCAGACATT-3'
Protein context (NP_001448.2, residues 1444-1464): TVDSSKAGLA[Pro1454=]LEVRVLGPRG